The following is an entry in ClinVar:

NM_000722.4(CACNA2D1):c.529A>C (p.Thr177Pro)

Gene: CACNA2D1 (calcium voltage-gated channel auxiliary subunit alpha2delta 1; minus strand). Cytogenetic location: 7q21.11.
Variant type: single nucleotide variant.
Coding change: c.529A>C on transcript NM_000722.4 (MANE Select); coding-DNA position 529, A replaced by C.
Protein change: p.Thr177Pro; replaces threonine 177 with proline.
Molecular consequence: missense variant.
Genome position (GRCh38, 1-based): chr7:82,084,898, T>G on the plus strand (A>C on the coding strand, the complement: CACNA2D1 is on the minus strand). VCF-style: chr7-82084898-T-G. GRCh37 (hg19) VCF-style: chr7-81714214-T-G.
Other names: c.529A>C, p.Thr177Pro (NM_001302890.2, NM_001366867.1); short protein forms T177P.
Identifiers: ClinVar variation 2786685 (VCV002786685.4), dbSNP rs1810263158, ClinGen allele CA368016927.
Genomic context (GRCh38, chr7:82,084,898, plus strand): 5'-GATTCTTTTTGAAAACTTCATCTAAGGCACTTGTCCAGTTGAGTTCATTTAACACAATTG[T>G]TGCTAACAAAAAAGAGAGAAACCATTAATTAATTCAAATTTGTAATTAAAAACTGAATGT-3'
Protein context (NP_000713.2, residues 167-187): HIPTDIYEGS[Thr177Pro]IVLNELNWTS

ClinVar aggregate classification (germline): Uncertain significance. Review status: criteria provided, multiple submitters, no conflicts (2 of 4 stars). 2 submissions from 2 submitters: Uncertain significance (2). Last evaluated 2024-07-28.

Conditions:
Cardiovascular phenotype. Identifiers: MedGen CN230736.
Brugada syndrome. Also called: Sudden unexpected nocturnal death syndrome; Sudden unexplained nocturnal death syndrome; Sudden Unexplained Death Syndrome; Sudden Unexplained Nocturnal Death Syndrome (SUNDS). Identifiers: Orphanet 130, MedGen C1142166, MONDO:0015263.

Allele frequency attached by ClinVar (database versions not stated): gnomAD exomes below 0.00001; gnomAD 0.00001; TOPMed 0.00001.
gnomAD v4.1: 2 of 1,612,264 alleles (0.00012%); highest among the groups gnomAD compares: Non-Finnish European, 0.00017%; no homozygotes.

Submissions (2):

Ambry Genetics
Classification: Uncertain significance for Cardiovascular phenotype. Last evaluated: 2024-07-28. Review status: criteria provided, single submitter. Criteria: Ambry Variant Classification Scheme 2023. Collection method: clinical testing. Allele origin: germline.
Comment: The p.T177P variant (also known as c.529A>C), located in coding exon 7 of the CACNA2D1 gene, results from an A to C substitution at nucleotide position 529. The threonine at codon 177 is replaced by proline, an amino acid with highly similar properties. This amino acid position is conserved. In addition, the in silico prediction for this alteration is inconclusive. Based on the available evidence, the clinical significance of this variant remains unclear.

Labcorp Genetics (formerly Invitae), Labcorp
Classification: Uncertain significance for Brugada syndrome. Last evaluated: 2023-03-19. Review status: criteria provided, single submitter. Criteria: Invitae Variant Classification Sherloc (09022015). Collection method: clinical testing. Allele origin: germline.
Comment: In summary, the available evidence is currently insufficient to determine the role of this variant in disease. Therefore, it has been classified as a Variant of Uncertain Significance. An algorithm developed to predict the effect of missense changes on protein structure and function (PolyPhen-2) suggests that this variant is likely to be disruptive. This variant has not been reported in the literature in individuals affected with CACNA2D1-related conditions. This variant is not present in population databases (gnomAD no frequency). This sequence change replaces threonine, which is neutral and polar, with proline, which is neutral and non-polar, at codon 177 of the CACNA2D1 protein (p.Thr177Pro).